The following is an entry in ClinVar:

ClinVar aggregate classification (germline): Uncertain significance. Review status: criteria provided, multiple submitters, no conflicts (2 of 4 stars). 2 submissions from 2 submitters: Uncertain significance (2). Last evaluated 2024-12-15.

Conditions:
X-linked immunodeficiency with magnesium defect, Epstein-Barr virus infection and neoplasia. Identifiers: Orphanet 317476, MedGen C3275445, MONDO:0010455, OMIM 300853.

gnomAD v4.1: 1 of 1,086,797 alleles (0.000092%); highest among the groups gnomAD compares: South Asian, 0.0021%; no homozygotes.

Submissions (2):

GeneDx
Classification: Uncertain significance. Last evaluated: 2024-12-15. Review status: criteria provided, single submitter. Criteria: GeneDx Variant Classification Process June 2021. Collection method: clinical testing. Allele origin: germline.
Comment: Not observed at significant frequency in large population cohorts (gnomAD); In silico analysis supports a deleterious effect on splicing; Has not been previously published as pathogenic or benign to our knowledge

Labcorp Genetics (formerly Invitae), Labcorp
Classification: Uncertain significance for X-linked immunodeficiency with magnesium defect, Epstein-Barr virus infection and neoplasia. Last evaluated: 2023-11-28. Review status: criteria provided, single submitter. Criteria: Invitae Variant Classification Sherloc (09022015). Collection method: clinical testing. Allele origin: germline.
Comment: This sequence change falls in intron 9 of the MAGT1 gene. It does not directly change the encoded amino acid sequence of the MAGT1 protein. It affects a nucleotide within the consensus splice site. This variant is not present in population databases (gnomAD no frequency). This variant has not been reported in the literature in individuals affected with MAGT1-related conditions. ClinVar contains an entry for this variant (Variation ID: 1699712). Variants that disrupt the consensus splice site are a relatively common cause of aberrant splicing (PMID: 17576681, 9536098). Algorithms developed to predict the effect of sequence changes on RNA splicing suggest that this variant may disrupt the consensus splice site. In summary, the available evidence is currently insufficient to determine the role of this variant in disease. Therefore, it has been classified as a Variant of Uncertain Significance.

Literature cited by the submitters: PubMed 17576681 (cited by Labcorp Genetics (formerly Invitae), Labcorp); PubMed 9536098 (cited by Labcorp Genetics (formerly Invitae), Labcorp).

NM_001367916.1(MAGT1):c.992+3A>G

Gene: MAGT1 (magnesium transporter 1; minus strand). Cytogenetic location: Xq21.1.
Variant type: single nucleotide variant.
Coding change: c.992+3A>G on transcript NM_001367916.1 (MANE Select); 3 bases into the intron after coding-DNA position 992, A replaced by G.
Molecular consequence: intron variant.
Genome position (GRCh38, 1-based): chrX:77,830,802, T>C on the plus strand (A>G on the coding strand, the complement: MAGT1 is on the minus strand). VCF-style: chrX-77830802-T-C. GRCh37 (hg19) VCF-style: chrX-77086299-T-C.
Other names: c.1088+3A>G (NM_032121.5).
Identifiers: ClinVar variation 1699712 (VCV001699712.6), dbSNP rs2149008230, ClinGen allele CA2580101415.